The following is an entry in ClinVar:

NM_032119.4(ADGRV1):c.6115G>A (p.Asp2039Asn)

Gene: ADGRV1 (adhesion G protein-coupled receptor V1; plus strand). Cytogenetic location: 5q14.3.
Variant type: single nucleotide variant.
Coding change: c.6115G>A on transcript NM_032119.4 (MANE Select); coding-DNA position 6115, G replaced by A.
Protein change: p.Asp2039Asn; replaces aspartic acid 2039 with asparagine.
Molecular consequence: missense variant. On other transcripts: non-coding transcript variant (1).
Genome position (GRCh38, 1-based): chr5:90,684,036, G>A. VCF-style: chr5-90684036-G-A. GRCh37 (hg19) VCF-style: chr5-89979853-G-A.
Other names: short protein forms D2039N.
Identifiers: ClinVar variation 4872998 (VCV004872998.3).
Genomic context (GRCh38, chr5:90,684,036, plus strand): 5'-GATGATATGGAAAAACCACCTTATTTTCCACCTAATTTAGCGAGAGCAACTCAAGGAAGA[G>A]ACTATATACCAGCTTCTGGATTTGCTCTTTTTGGAGCTAATCAGAGTGAGGCAACAATAG-3'
Protein context (NP_115495.3, residues 2029-2049): PNLARATQGR[Asp2039Asn]YIPASGFALF

ClinVar aggregate classification (germline): Uncertain significance. Review status: criteria provided, multiple submitters, no conflicts (2 of 4 stars). 2 submissions from 2 submitters: Uncertain significance (2). Last evaluated 2026-04-01.

gnomAD v4.1: 3 of 1,613,936 alleles (0.00019%); highest among the groups gnomAD compares: Non-Finnish European, 0.00025%; no homozygotes.

Submissions (2):

CeGaT Center for Human Genetics Tuebingen
Classification: Uncertain significance. Last evaluated: 2026-04-01. Review status: criteria provided, single submitter. Criteria: CeGaT Center For Human Genetics Tuebingen Variant Classification Criteria Version 2. Collection method: clinical testing. Allele origin: germline. Affected: yes. Observed: 1 variant allele.
Comment: ADGRV1: PM2, BP4

Blueprint Genetics
Classification: Uncertain significance. Last evaluated: 2023-05-02. Review status: criteria provided, single submitter. Criteria: ACMG Guidelines, 2015. Collection method: clinical testing. Allele origin: germline.